The following is an entry in ClinVar:

ClinVar aggregate classification (germline): Conflicting classifications of pathogenicity. Review status: criteria provided, conflicting classifications (1 of 4 stars). 4 submissions from 4 submitters: Uncertain significance (3); Likely benign (1). Last evaluated 2025-07-22.

Conditions:
Arrhythmogenic right ventricular dysplasia 5. Also called: Arrhythmogenic Right Ventricular Dysplasia/Cardiomyopathy 5; ARRHYTHMOGENIC RIGHT VENTRICULAR DYSPLASIA, FAMILIAL, 5. Identifiers: MedGen C1858379, MONDO:0011459, OMIM 604400.
Cardiovascular phenotype. Identifiers: MedGen CN230736.
Cardiomyopathy (CMYO). Also called: Cardiomyopathies. Identifiers: Orphanet 167848, MedGen C0878544, MONDO:0004994, HP:0001638. Inheritance: Various modes of inheritance.

Allele frequency attached by ClinVar (database versions not stated): gnomAD exomes below 0.00001 and 0.00001; ExAC 0.00002.
gnomAD v4.1: 3 of 1,613,926 alleles (0.00019%); highest among the groups gnomAD compares: Admixed American, 0.005%; no homozygotes.

Submissions (4):

Ambry Genetics
Classification: Likely benign for Cardiovascular phenotype. Last evaluated: 2025-07-22. Review status: criteria provided, single submitter. Criteria: Ambry Variant Classification Scheme 2023. Collection method: clinical testing. Allele origin: germline.

All of Us Research Program, National Institutes of Health
Classification: Uncertain significance for Arrhythmogenic right ventricular dysplasia 5. Last evaluated: 2024-05-14. Review status: criteria provided, single submitter. Criteria: ACMG Guidelines, 2015. Collection method: clinical testing. Allele origin: germline. Inheritance: Autosomal dominant inheritance. Observed: 2 variant alleles, 2 heterozygotes.
Comment: Variant of Uncertain Significance due to insufficient evidence: This missense variant is located in the cytoplasmic domain of the TMEM43 protein. Computational prediction tools and conservation analyses are inconclusive regarding the impact of this variant on the protein function. Computational splicing tools suggest that this variant may not impact RNA splicing. To our knowledge, functional assays have not been performed for this variant nor has this variant been reported in individuals affected with cardiovascular disorders in the literature. This variant has been identified in 3/246268 chromosomes in the general population by the Genome Aggregation Database (gnomAD). Available evidence is insufficient to determine the role of this variant in disease conclusively.

This study involves interpretation of variants in research participants for the purpose of population health screening. Participant phenotype was not available at the time of variant classification. Additional details can be found in publication PMID: 35346344, PMCID: PMC8962531

Labcorp Genetics (formerly Invitae), Labcorp
Classification: Uncertain significance for Arrhythmogenic right ventricular dysplasia 5. Last evaluated: 2024-04-27. Review status: criteria provided, single submitter. Criteria: Invitae Variant Classification Sherloc (09022015). Collection method: clinical testing. Allele origin: germline.
Comment: This sequence change replaces glycine, which is neutral and non-polar, with alanine, which is neutral and non-polar, at codon 166 of the TMEM43 protein (p.Gly166Ala). This variant is present in population databases (rs767516734, gnomAD 0.009%). This variant has not been reported in the literature in individuals affected with TMEM43-related conditions. ClinVar contains an entry for this variant (Variation ID: 406898). Advanced modeling of protein sequence and biophysical properties (such as structural, functional, and spatial information, amino acid conservation, physicochemical variation, residue mobility, and thermodynamic stability) performed at Invitae indicates that this missense variant is not expected to disrupt TMEM43 protein function with a negative predictive value of 80%. In summary, the available evidence is currently insufficient to determine the role of this variant in disease. Therefore, it has been classified as a Variant of Uncertain Significance.

Color Diagnostics, LLC DBA Color Health
Classification: Uncertain significance for Cardiomyopathy. Last evaluated: 2023-12-05. Review status: criteria provided, single submitter. Criteria: ACMG Guidelines, 2015. Collection method: clinical testing. Allele origin: germline.
Comment: Variant of Uncertain Significance due to insufficient evidence: This missense variant is located in the cytoplasmic domain of the TMEM43 protein. Computational prediction tools and conservation analyses are inconclusive regarding the impact of this variant on the protein function. Computational splicing tools suggest that this variant may not impact RNA splicing. To our knowledge, functional assays have not been performed for this variant nor has this variant been reported in individuals affected with cardiovascular disorders in the literature. This variant has been identified in 3/246268 chromosomes in the general population by the Genome Aggregation Database (gnomAD). Available evidence is insufficient to determine the role of this variant in disease conclusively.

NM_024334.3(TMEM43):c.497G>C (p.Gly166Ala)

Gene: TMEM43 (transmembrane protein 43; plus strand). Cytogenetic location: 3p25.1.
Variant type: single nucleotide variant.
Coding change: c.497G>C on transcript NM_024334.3 (MANE Select); coding-DNA position 497, G replaced by C.
Protein change: p.Gly166Ala; replaces glycine 166 with alanine.
Molecular consequence: missense variant.
Genome position (GRCh38, 1-based): chr3:14,132,920, G>C. VCF-style: chr3-14132920-G-C. GRCh37 (hg19) VCF-style: chr3-14174420-G-C.
Other names: short protein forms G166A.
Identifiers: ClinVar variation 406898 (VCV000406898.15), dbSNP rs767516734, ClinGen allele CA053966.
Genomic context (GRCh38, chr3:14,132,920, plus strand): 5'-GAGCAGACACTGAATGGAGGTCAGAAATCATCAACAGCAAAAACTTCGACCGAGAGATTG[G>C]CCACAAAAACCCCAGGTGAGAGCCAGGCCCAAGGCCTGAGTGCAGCTTTGTCTACACTGG-3'
Protein context (NP_077310.1, residues 156-176): INSKNFDREI[Gly166Ala]HKNPSAMAVE